The following is an entry in ClinVar:

NM_006642.5(SDCCAG8):c.1343T>C (p.Met448Thr)

Gene: SDCCAG8 (SHH signaling and ciliogenesis regulator SDCCAG8; plus strand). Cytogenetic location: 1q43.
Variant type: single nucleotide variant.
Coding change: c.1343T>C on transcript NM_006642.5 (MANE Select); coding-DNA position 1343, T replaced by C.
Protein change: p.Met448Thr; replaces methionine 448 with threonine.
Molecular consequence: missense variant.
Genome position (GRCh38, 1-based): chr1:243,341,160, T>C. VCF-style: chr1-243341160-T-C. GRCh37 (hg19) VCF-style: chr1-243504462-T-C.
Other names: c.440T>C, p.Met147Thr (NM_001350246.2, NM_001350247.2, NM_001350251.2); c.1439T>C, p.Met480Thr (NM_001350248.2); c.1049T>C, p.Met350Thr (NM_001350249.2); c.1343T>C (NM_006642.3); short protein forms M350T, M147T, M448T, M480T.
Identifiers: ClinVar variation 1519606 (VCV001519606.7), dbSNP rs1015302300, ClinGen allele CA345474866.
Genomic context (GRCh38, chr1:243,341,160, plus strand): 5'-AAAAGATTTCAGCTATTAATCAACTGGAGGAAATTCAAAGCCAGCTGGCTTCTCGGGAAA[T>C]GGATGTCACAAAGGTACAGAAAGAGATTTTAGTGTAATCGTTACTTAAGGAAATATTTCC-3'
Protein context (NP_006633.1, residues 438-458): EIQSQLASRE[Met448Thr]DVTKVCGEMR

ClinVar aggregate classification (germline): Uncertain significance. Review status: criteria provided, multiple submitters, no conflicts (2 of 4 stars). 4 submissions from 4 submitters: Uncertain significance (3). 1 of the submissions does not count toward it. Last evaluated 2025-10-02.

Conditions:
SDCCAG8-related disorder. Also called: SDCCAG8-related condition; SDCCAG8-Related Disorders.
Senior-Loken syndrome 7 (SLSN7). Identifiers: Orphanet 3156, MedGen C3150877, MONDO:0013326, OMIM 613615.
Bardet-Biedl syndrome 16 (BBS16). Identifiers: Orphanet 110, MedGen C3889474, MONDO:0014444, OMIM 615993.
Inborn genetic diseases. Identifiers: MedGen C0950123, MeSH D030342.

Allele frequency attached by ClinVar (database versions not stated): gnomAD 0.00001; TOPMed 0.00002.
gnomAD v4.1: 13 of 1,613,910 alleles (0.00081%); highest among the groups gnomAD compares: African/African-American, 0.012%; no homozygotes.

Submissions (4):

Ambry Genetics
Classification: Uncertain significance for Inborn genetic diseases. Last evaluated: 2025-10-02. Review status: criteria provided, single submitter. Criteria: Ambry Variant Classification Scheme 2023. Collection method: clinical testing. Allele origin: germline.

Fulgent Genetics
Classification: Uncertain significance for Senior-Loken syndrome 7; Bardet-Biedl syndrome 16. Last evaluated: 2024-06-18. Review status: criteria provided, single submitter. Criteria: ACMG Guidelines, 2015. Collection method: clinical testing. Allele origin: germline.

Labcorp Genetics (formerly Invitae), Labcorp
Classification: Uncertain significance for Bardet-Biedl syndrome 16; Senior-Loken syndrome 7. Last evaluated: 2022-07-23. Review status: criteria provided, single submitter. Criteria: Invitae Variant Classification Sherloc (09022015). Collection method: clinical testing. Allele origin: germline.
Comment: This sequence change replaces methionine, which is neutral and non-polar, with threonine, which is neutral and polar, at codon 448 of the SDCCAG8 protein (p.Met448Thr). This variant is present in population databases (no rsID available, gnomAD 0.01%). This variant has not been reported in the literature in individuals affected with SDCCAG8-related conditions. ClinVar contains an entry for this variant (Variation ID: 1519606). Algorithms developed to predict the effect of missense changes on protein structure and function (SIFT, PolyPhen-2, Align-GVGD) all suggest that this variant is likely to be tolerated. In summary, the available evidence is currently insufficient to determine the role of this variant in disease. Therefore, it has been classified as a Variant of Uncertain Significance.

PreventionGenetics, part of Exact Sciences
Classification: Uncertain significance for SDCCAG8-related condition. Last evaluated: 2024-06-22. Review status: no assertion criteria provided. Collection method: clinical testing. Allele origin: germline. Not counted in ClinVar's aggregate classification.
Comment: The SDCCAG8 c.1343T>C variant is predicted to result in the amino acid substitution p.Met448Thr. To our knowledge, this variant has not been reported in the literature. This variant is reported in 0.011% of alleles in individuals of African descent in gnomAD. At this time, the clinical significance of this variant is uncertain due to the absence of conclusive functional and genetic evidence.